The following is an entry in ClinVar:

NM_006662.3(SRCAP):c.4135C>T (p.His1379Tyr)

Gene: SRCAP (Snf2 related CREBBP activator protein; plus strand). Cytogenetic location: 16p11.2.
Variant type: single nucleotide variant.
Coding change: c.4135C>T on transcript NM_006662.3 (MANE Select); coding-DNA position 4135, C replaced by T.
Protein change: p.His1379Tyr; replaces histidine 1379 with tyrosine.
Molecular consequence: missense variant.
Genome position (GRCh38, 1-based): chr16:30,723,205, C>T. VCF-style: chr16-30723205-C-T. GRCh37 (hg19) VCF-style: chr16-30734526-C-T.
Other names: c.4135C>T (NM_006662.2); short protein forms H1379Y.
Identifiers: ClinVar variation 1469961 (VCV001469961.7), dbSNP rs770786657, ClinGen allele CA8011672.

ClinVar aggregate classification (germline): Uncertain significance. Review status: criteria provided, multiple submitters, no conflicts (2 of 4 stars). 2 submissions from 2 submitters: Uncertain significance (2). Last evaluated 2025-08-02.

Conditions:
Inborn genetic diseases. Identifiers: MedGen C0950123, MeSH D030342.

Allele frequency attached by ClinVar (database versions not stated): gnomAD exomes below 0.00001 and 0.00001; ExAC 0.00001; gnomAD 0.00001; TOPMed 0.00001.
gnomAD v4.1: 3 of 1,612,346 alleles (0.00019%); highest among the groups gnomAD compares: Non-Finnish European, 0.00025%; no homozygotes.

Submissions (2):

Ambry Genetics
Classification: Uncertain significance for Inborn genetic diseases. Last evaluated: 2025-08-02. Review status: criteria provided, single submitter. Criteria: Ambry Variant Classification Scheme 2023. Collection method: clinical testing. Allele origin: germline.

Labcorp Genetics (formerly Invitae), Labcorp
Classification: Uncertain significance. Last evaluated: 2024-05-18. Review status: criteria provided, single submitter. Criteria: Invitae Variant Classification Sherloc (09022015). Collection method: clinical testing. Allele origin: germline.
Comment: This sequence change replaces histidine, which is basic and polar, with tyrosine, which is neutral and polar, at codon 1379 of the SRCAP protein (p.His1379Tyr). This variant is present in population databases (rs770786657, gnomAD 0.003%). This variant has not been reported in the literature in individuals affected with SRCAP-related conditions. ClinVar contains an entry for this variant (Variation ID: 1469961). Advanced modeling of protein sequence and biophysical properties (such as structural, functional, and spatial information, amino acid conservation, physicochemical variation, residue mobility, and thermodynamic stability) performed at Invitae indicates that this missense variant is not expected to disrupt SRCAP protein function with a negative predictive value of 80%. In summary, the available evidence is currently insufficient to determine the role of this variant in disease. Therefore, it has been classified as a Variant of Uncertain Significance.